The following is an entry in ClinVar:

ClinVar aggregate classification (germline): Likely pathogenic (1 of 4 stars; one submission).

Conditions:
Ehlers-Danlos syndrome, kyphoscoliotic type 1 (EDSKSCL1). Also called: PLOD1-Related Kyphoscoliotic Ehlers-Danlos Syndrome; Ehlers-Danlos syndrome, hydroxylysine-deficient; EHLERS-DANLOS SYNDROME, TYPE VIA; EHLERS-DANLOS SYNDROME, OCULAR-SCOLIOTIC TYPE. Identifiers: Orphanet 1900, MedGen C0268342, MONDO:0016002, OMIM 225400. Disease mechanism: loss of function.

Submission:

Labcorp Genetics (formerly Invitae), Labcorp
Classification: Likely pathogenic for Ehlers-Danlos syndrome, kyphoscoliotic type 1. Last evaluated: 2023-07-08. Review status: criteria provided, single submitter. Criteria: Invitae Variant Classification Sherloc (09022015). Collection method: clinical testing. Allele origin: germline.
Comment: This sequence change affects an acceptor splice site in intron 9 of the PLOD1 gene. It is expected to disrupt RNA splicing. Variants that disrupt the donor or acceptor splice site typically lead to a loss of protein function (PMID: 16199547), and loss-of-function variants in PLOD1 are known to be pathogenic (PMID: 10874315, 21699693). This variant is not present in population databases (gnomAD no frequency). This variant has not been reported in the literature in individuals affected with PLOD1-related conditions. Algorithms developed to predict the effect of sequence changes on RNA splicing suggest that this variant may disrupt the consensus splice site. In summary, the currently available evidence indicates that the variant is pathogenic, but additional data are needed to prove that conclusively. Therefore, this variant has been classified as Likely Pathogenic.

Literature cited by the submitters: PubMed 16199547; PubMed 10874315; PubMed 21699693.

NM_000302.4(PLOD1):c.976-2A>G

Gene: PLOD1 (procollagen-lysine,2-oxoglutarate 5-dioxygenase 1; plus strand). Cytogenetic location: 1p36.22.
Variant type: single nucleotide variant.
Coding change: c.976-2A>G on transcript NM_000302.4 (MANE Select); the canonical splice acceptor site of the intron before coding-DNA position 976, A replaced by G.
Molecular consequence: splice acceptor variant.
Genome position (GRCh38, 1-based): chr1:11,960,644, A>G. VCF-style: chr1-11960644-A-G. GRCh37 (hg19) VCF-style: chr1-12020701-A-G.
Other names: c.1117-2A>G (NM_001316320.2).
Identifiers: ClinVar variation 2782231 (VCV002782231.3), dbSNP rs1375808651, ClinGen allele CA338436386.